The following is an entry in ClinVar:

ClinVar aggregate classification (germline): Uncertain significance (1 of 4 stars; one submission).

gnomAD v4.1: 11 of 1,614,046 alleles (0.00068%); highest among the groups gnomAD compares: Non-Finnish European, 0.00093%; no homozygotes.

Submission:

Labcorp Genetics (formerly Invitae), Labcorp
Classification: Uncertain significance. Last evaluated: 2025-02-26. Review status: criteria provided, single submitter. Criteria: Invitae Variant Classification Sherloc (09022015). Collection method: clinical testing. Allele origin: germline.
Comment: This sequence change creates a premature translational stop signal (p.Trp171*) in the A2ML1 gene. It is expected to result in an absent or disrupted protein product. However, the current clinical and genetic evidence is not sufficient to establish whether loss-of-function variants in A2ML1 cause disease. This variant is not present in population databases (gnomAD no frequency). This variant has not been reported in the literature in individuals affected with A2ML1-related conditions. Algorithms developed to predict the effect of sequence changes on RNA splicing suggest that this variant may disrupt the consensus splice site. In summary, the available evidence is currently insufficient to determine the role of this variant in disease. Therefore, it has been classified as a Variant of Uncertain Significance.

NM_144670.6(A2ML1):c.513G>A (p.Trp171Ter)

Gene: A2ML1 (alpha-2-macroglobulin like 1; plus strand). Cytogenetic location: 12p13.31.
Variant type: single nucleotide variant.
Coding change: c.513G>A on transcript NM_144670.6 (MANE Select); coding-DNA position 513, G replaced by A.
Protein change: p.Trp171Ter; replaces tryptophan 171 with a stop codon.
Molecular consequence: nonsense.
Genome position (GRCh38, 1-based): chr12:8,835,536, G>A. VCF-style: chr12-8835536-G-A. GRCh37 (hg19) VCF-style: chr12-8988132-G-A.
Other names: short protein forms W171*.
Identifiers: ClinVar variation 3646298 (VCV003646298.2).